The following is an entry in ClinVar:

ClinVar aggregate classification (germline): Uncertain significance. Review status: criteria provided, multiple submitters, no conflicts (2 of 4 stars). 9 submissions from 9 submitters: Uncertain significance (7). 2 of the submissions do not count toward it. Last evaluated 2024-11-21.

Conditions:
Peroxisome biogenesis disorder 6B (PBD6B). Identifiers: Orphanet 44, MedGen C3553948, MONDO:0013937, OMIM 614871.
PEX10-related disorder. Also called: PEX10-related condition.
Zellweger spectrum disorders (ZS). Also called: Zellweger syndrome; Zellweger Spectrum Disorder; Zellweger Spectrum; Zellweger Spectrum Disorder (ZSD). Identifiers: Orphanet 912, MedGen C0043459, MONDO:0019609.
Inborn genetic diseases. Identifiers: MedGen C0950123, MeSH D030342.
Peroxisome biogenesis disorder, complementation group 7 (CG7). Also called: Peroxisome biogenesis disorder, complementation group B. Identifiers: MedGen C1864399.

Allele frequency attached by ClinVar (database versions not stated): gnomAD 0.00013 and 0.00014; ESP Exome Variant Server 0.00015; TOPMed 0.00018.
gnomAD v4.1: 267 of 1,603,082 alleles (0.017%); highest among the groups gnomAD compares: Non-Finnish European, 0.021%; no homozygotes.

Submissions (9):

Blueprint Genetics
Classification: Uncertain significance. Last evaluated: 2024-11-21. Review status: criteria provided, single submitter. Criteria: ACMG Guidelines, 2015. Collection method: clinical testing. Allele origin: germline.

Pittsburgh Clinical Genomics Laboratory, University of Pittsburgh Medical Center
Classification: Uncertain significance for Peroxisome biogenesis disorder 6B. Last evaluated: 2024-02-21. Review status: criteria provided, single submitter. Criteria: ACMG Guidelines, 2015. Collection method: clinical testing. Allele origin: germline. Inheritance: Autosomal recessive inheritance. Affected: yes.
Comment: This sequence variant is a single nucleotide substitution (C>T) at position 967 of the coding sequence of the PEX10 gene that results in an arginine to tryptophan amino acid change at residue 323 of the peroxisomal biogenesis factor 10 protein. The 323 residue falls in the RING finger domain (UniProt) which plays a role in the ubiquitin ligase activity of the peroxisomal biogenesis factor 10 protein (PMID: 18644345). This is a previously reported variant (ClinVar 500751) that has not been observed in individuals affected by a PEX10-related disorder in the published literature, to our knowledge. This variant is present in 37 of 380896 alleles (0.0097%) in the gnomAD population dataset. Multiple bioinformatic tools predict that this amino acid change would be damaging, and the Arg323 residue at this position is highly conserved across the vertebrate species examined. Studies examining the functional consequence of this variant have not been published, to our knowledge. At this time, there is insufficient evidence to determine if this variant is pathogenic or benign. Therefore, we consider this a variant of uncertain significance. ACMG Criteria: PP3

GeneDx
Classification: Uncertain significance. Last evaluated: 2023-12-16. Review status: criteria provided, single submitter. Criteria: GeneDx Variant Classification Process June 2021. Collection method: clinical testing. Allele origin: germline. Affected: yes.
Comment: Not observed at significant frequency in large population cohorts (gnomAD); In silico analysis supports that this missense variant has a deleterious effect on protein structure/function; Has not been previously published as pathogenic or benign to our knowledge

Labcorp Genetics (formerly Invitae), Labcorp
Classification: Uncertain significance for Peroxisome biogenesis disorder, complementation group 7. Last evaluated: 2022-10-05. Review status: criteria provided, single submitter. Criteria: Invitae Variant Classification Sherloc (09022015). Collection method: clinical testing. Allele origin: germline.
Comment: This sequence change replaces arginine, which is basic and polar, with tryptophan, which is neutral and slightly polar, at codon 343 of the PEX10 protein (p.Arg343Trp). This variant is present in population databases (rs148903253, gnomAD 0.01%). This variant has not been reported in the literature in individuals affected with PEX10-related conditions. ClinVar contains an entry for this variant (Variation ID: 500751). Algorithms developed to predict the effect of missense changes on protein structure and function (SIFT, PolyPhen-2, Align-GVGD) all suggest that this variant is likely to be disruptive. In summary, the available evidence is currently insufficient to determine the role of this variant in disease. Therefore, it has been classified as a Variant of Uncertain Significance.

Mayo Clinic Laboratories, Mayo Clinic
Classification: Uncertain significance. Last evaluated: 2022-06-30. Review status: criteria provided, single submitter. Criteria: ACMG Guidelines, 2015. Collection method: clinical testing. Allele origin: germline. Observed: 2 variant alleles.

Ambry Genetics
Classification: Uncertain significance for Inborn genetic diseases. Last evaluated: 2021-10-06. Review status: criteria provided, single submitter. Criteria: Ambry Variant Classification Scheme 2023. Collection method: clinical testing. Allele origin: germline.

Eurofins Ntd Llc (ga)
Classification: Uncertain significance. Last evaluated: 2017-03-07. Review status: criteria provided, single submitter. Criteria: EGL Classification Definitions 2015. Collection method: clinical testing. Allele origin: germline. Observed: 2 variant alleles, 2 heterozygotes.

PreventionGenetics, part of Exact Sciences
Classification: Uncertain significance for PEX10-related condition. Last evaluated: 2024-08-22. Review status: no assertion criteria provided. Collection method: clinical testing. Allele origin: germline. Not counted in ClinVar's aggregate classification.
Comment: The PEX10 c.1027C>T variant is predicted to result in the amino acid substitution p.Arg343Trp. To our knowledge, this variant has not been reported in the literature. This variant is reported in 0.013% of alleles in individuals of European (Non-Finnish) descent in gnomAD. At this time, the clinical significance of this variant is uncertain due to the absence of conclusive functional and genetic evidence.

Natera, Inc.
Classification: Uncertain significance for Zellweger syndrome. Last evaluated: 2019-10-28. Review status: no assertion criteria provided. Collection method: clinical testing. Allele origin: germline. Not counted in ClinVar's aggregate classification.

Literature cited by the submitters: PubMed 18644345 (cited by Pittsburgh Clinical Genomics Laboratory, University of Pittsburgh Medical Center).

NM_002617.4(PEX10):c.967C>T (p.Arg323Trp)

Gene: PEX10 (peroxisomal biogenesis factor 10; minus strand). Cytogenetic location: 1p36.32.
Variant type: single nucleotide variant.
Coding change: c.967C>T on transcript NM_002617.4 (MANE Select); coding-DNA position 967, C replaced by T.
Protein change: p.Arg323Trp; replaces arginine 323 with tryptophan.
Molecular consequence: missense variant. On other transcripts: non-coding transcript variant (1).
Genome position (GRCh38, 1-based): chr1:2,405,780, G>A on the plus strand (C>T on the coding strand, the complement: PEX10 is on the minus strand). VCF-style: chr1-2405780-G-A. GRCh37 (hg19) VCF-style: chr1-2337219-G-A.
Other names: c.1024C>T, p.Arg342Trp (NM_001374425.1); c.592C>T, p.Arg198Trp (NM_001374426.1); c.535C>T, p.Arg179Trp (NM_001374427.1); c.1027C>T, p.Arg343Trp (NM_153818.2); short protein forms R343W, R323W, R179W, R198W, R342W.
Identifiers: ClinVar variation 500751 (VCV000500751.17), dbSNP rs148903253, ClinGen allele CA537942.